The following is an entry in ClinVar:

ClinVar aggregate classification (germline): Uncertain significance. Review status: criteria provided, multiple submitters, no conflicts (2 of 4 stars). 2 submissions from 2 submitters: Uncertain significance (2). Last evaluated 2023-01-22.

Conditions:
X-linked intellectual disability, Cantagrel type (XLID98). Also called: INTELLECTUAL DEVELOPMENTAL DISORDER, X-LINKED 98. Identifiers: Orphanet 85277, MedGen C3806730, MONDO:0010483, OMIM 300912.

Submissions (2):

Labcorp Genetics (formerly Invitae), Labcorp
Classification: Uncertain significance. Last evaluated: 2023-01-22. Review status: criteria provided, single submitter. Criteria: Invitae Variant Classification Sherloc (09022015). Collection method: clinical testing. Allele origin: germline.
Comment: In summary, the available evidence is currently insufficient to determine the role of this variant in disease. Therefore, it has been classified as a Variant of Uncertain Significance. Algorithms developed to predict the effect of missense changes on protein structure and function output the following: SIFT: "Tolerated"; PolyPhen-2: "Benign"; Align-GVGD: "Class C0". The lysine amino acid residue is found in multiple mammalian species, which suggests that this missense change does not adversely affect protein function. ClinVar contains an entry for this variant (Variation ID: 1022444). This variant has not been reported in the literature in individuals affected with NEXMIF-related conditions. This variant is not present in population databases (gnomAD no frequency). This sequence change replaces glutamic acid, which is acidic and polar, with lysine, which is basic and polar, at codon 842 of the NEXMIF protein (p.Glu842Lys).

Fulgent Genetics
Classification: Uncertain significance for X-linked intellectual disability, Cantagrel type. Last evaluated: 2022-01-05. Review status: criteria provided, single submitter. Criteria: ACMG Guidelines, 2015. Collection method: clinical testing. Allele origin: unknown.

NM_001008537.3(NEXMIF):c.2524G>A (p.Glu842Lys)

Gene: NEXMIF (neurite extension and migration factor; minus strand). Cytogenetic location: Xq13.3.
Variant type: single nucleotide variant.
Coding change: c.2524G>A on transcript NM_001008537.3 (MANE Select); coding-DNA position 2524, G replaced by A.
Protein change: p.Glu842Lys; replaces glutamic acid 842 with lysine.
Molecular consequence: missense variant.
Genome position (GRCh38, 1-based): chrX:74,742,033, C>T on the plus strand (G>A on the coding strand, the complement: NEXMIF is on the minus strand). VCF-style: chrX-74742033-C-T. GRCh37 (hg19) VCF-style: chrX-73961868-C-T.
Other names: short protein forms E842K.
Identifiers: ClinVar variation 1022444 (VCV001022444.13), dbSNP rs2080106700, ClinGen allele CA413668028.